The following is an entry in ClinVar:

NM_000370.3(TTPA):c.470T>C (p.Ile157Thr)

Gene: TTPA (alpha tocopherol transfer protein; minus strand). Cytogenetic location: 8q12.3.
Variant type: single nucleotide variant.
Coding change: c.470T>C on transcript NM_000370.3 (MANE Select); coding-DNA position 470, T replaced by C.
Protein change: p.Ile157Thr; replaces isoleucine 157 with threonine.
Molecular consequence: missense variant. On other transcripts: non-coding transcript variant (2), intron variant (3).
Genome position (GRCh38, 1-based): chr8:63,065,986, A>G on the plus strand (T>C on the coding strand, the complement: TTPA is on the minus strand). VCF-style: chr8-63065986-A-G. GRCh37 (hg19) VCF-style: chr8-63978545-A-G.
Other names: c.470T>C, p.Ile157Thr (NM_001413416.1); c.587T>C, p.Ile196Thr (NM_001413418.1); c.205-4561T>C (NM_001413417.1); c.205-1670T>C (NM_001413414.1); c.359-4561T>C (NM_001413415.1); short protein forms I157T, I196T.
Identifiers: ClinVar variation 4881383 (VCV004881383.2).

ClinVar aggregate classification (germline): Uncertain significance (1 of 4 stars; one submission).

Conditions:
Familial isolated deficiency of vitamin E (AVED). Also called: ATAXIA, FRIEDREICH-LIKE, WITH SELECTIVE VITAMIN E DEFICIENCY; Ataxia with isolated vitamin E deficiency. Identifiers: Orphanet 96, MedGen C1848533, MONDO:0010188, OMIM 277460.

gnomAD v4.1: 1 of 1,614,118 alleles (0.000062%); no homozygotes.

Submission:

Dasa
Classification: Uncertain significance for ataxia with isolated vitamin E deficiency. Last evaluated: 2025-05-31. Review status: criteria provided, single submitter. Criteria: DASA Assertion Criteria. Collection method: clinical testing. Allele origin: germline.
Comment: NM_000370.3(TTPA):c.470T>C (p.Ile157Thr) is a missense variant that results in the substitution of isoleucine with threonine. This variant has been observed in affected individuals with TTPA-related disorders. Also, this variant is rare in population databases. Computational prediction algorithms are consistent with a deleterious effect. The currently available literature and clinical evidence are not sufficient to establish a definitive association between this variant and the reported condition. Therefore, this variant is classified as a variant of uncertain significance.